The following is an entry in ClinVar:

NM_001393504.1(MAST3):c.2895G>A (p.Pro965=)

Gene: MAST3 (microtubule associated serine/threonine kinase 3; plus strand). Cytogenetic location: 19p13.11.
Variant type: single nucleotide variant.
Coding change: c.2895G>A on transcript NM_001393504.1 (MANE Select); coding-DNA position 2895, G replaced by A.
Protein change: p.Pro965=; no amino-acid change (proline 965 retained).
Molecular consequence: synonymous variant.
Genome position (GRCh38, 1-based): chr19:18,145,085, G>A. VCF-style: chr19-18145085-G-A. GRCh37 (hg19) VCF-style: chr19-18255895-G-A.
Other names: c.2919G>A, p.Pro973= (NM_001393501.1); c.2898G>A, p.Pro966= (NM_001393502.1); c.2895G>A, p.Pro965= (NM_001393503.1); c.2892G>A, p.Pro964= (NM_001393505.1); c.2847G>A, p.Pro949= (NM_001393506.1, NM_001393513.1); c.2874G>A, p.Pro958= (NM_001393507.1); c.2829G>A, p.Pro943= (NM_001393508.1, NM_001393516.1); c.2826G>A, p.Pro942= (NM_001393509.1, NM_001393510.1, NM_001393512.1 and 2 more transcripts); and 5 more.
Identifiers: ClinVar variation 4681320 (VCV004681320.6).

ClinVar aggregate classification (germline): Likely benign. Review status: criteria provided, multiple submitters, no conflicts (2 of 4 stars). 2 submissions from 2 submitters: Likely benign (2). Last evaluated 2026-08-01.

Conditions:
MAST3-related disorder.

gnomAD v4.1: 2,654 of 1,613,042 alleles (0.16%); highest among the groups gnomAD compares: Non-Finnish European, 0.21%; 7 homozygotes.

Submissions (2):

CeGaT Center for Human Genetics Tuebingen
Classification: Likely benign. Last evaluated: 2026-08-01. Review status: criteria provided, single submitter. Criteria: CeGaT Center For Human Genetics Tuebingen Variant Classification Criteria Version 2. Collection method: clinical testing. Allele origin: germline. Affected: yes. Observed: 3 variant alleles.
Comment: MAST3: BS1

PreventionGenetics, part of Exact Sciences
Classification: Likely benign for MAST3-related condition. Last evaluated: 2024-10-08. Review status: criteria provided, single submitter. Criteria: ACMG Guidelines, 2015. Collection method: clinical testing. Allele origin: germline.
Comment: This variant is classified as likely benign based on ACMG/AMP sequence variant interpretation guidelines (Richards et al. 2015 PMID: 25741868, with internal and published modifications).